The following is an entry in ClinVar:

ClinVar aggregate classification (germline): Conflicting classifications of pathogenicity. Review status: criteria provided, conflicting classifications (1 of 4 stars). 3 submissions from 2 submitters: Uncertain significance (2); Likely benign (1). Last evaluated 2023-02-01.

Conditions:
Isolated focal cortical dysplasia type II (FCORD2). Also called: Focal cortical dysplasia type II; CORTICAL DYSPLASIA OF TAYLOR. Identifiers: Orphanet 268994, MedGen C1846385, MONDO:0011818, OMIM 607341, HP:0032051.
Tuberous sclerosis 1 (TSC1). Identifiers: Orphanet 805, MedGen C1854465, MONDO:0008612, OMIM 191100.

Allele frequency attached by ClinVar (database versions not stated): gnomAD 0.00055 and 0.00062; TOPMed 0.00060; gnomAD exomes 0.00149.
gnomAD v4.1: 222 of 233,420 alleles (0.095%); highest among the groups gnomAD compares: Middle Eastern, 0.64%; no homozygotes.

Submissions (3):

CeGaT Center for Human Genetics Tuebingen
Classification: Likely benign. Last evaluated: 2023-02-01. Review status: criteria provided, single submitter. Criteria: CeGaT Center For Human Genetics Tuebingen Variant Classification Criteria Version 2. Collection method: clinical testing. Allele origin: germline. Affected: yes. Observed: 1 variant allele.
Comment: TSC1: BS1

Illumina Laboratory Services, Illumina
Classification: Uncertain significance for Tuberous sclerosis 1. Last evaluated: 2018-01-13. Review status: criteria provided, single submitter. Criteria: ICSL Variant Classification Criteria 13 December 2019. Collection method: clinical testing. Allele origin: germline.

Illumina Laboratory Services, Illumina
Classification: Uncertain significance for Isolated focal cortical dysplasia type II. Last evaluated: 2018-01-13. Review status: criteria provided, single submitter. Criteria: ICSL Variant Classification Criteria 13 December 2019. Collection method: clinical testing. Allele origin: germline.

NM_000368.5(TSC1):c.*4680G>T

Gene: TSC1 (TSC complex subunit 1; minus strand). Cytogenetic location: 9q34.13.
Variant type: single nucleotide variant.
Coding change: c.*4680G>T on transcript NM_000368.5 (MANE Select); 4680 bases downstream of the stop codon, G replaced by T.
Molecular consequence: 3 prime UTR variant.
Genome position (GRCh38, 1-based): chr9:132,891,555, C>A on the plus strand (G>T on the coding strand, the complement: TSC1 is on the minus strand). VCF-style: chr9-132891555-C-A. GRCh37 (hg19) VCF-style: chr9-135766942-C-A.
Other names: c.*4680G>T (NM_001162426.2, NM_001162427.2, NM_001362177.2).
Identifiers: ClinVar variation 913084 (VCV000913084.28), dbSNP rs747969932, ClinGen allele CA200921734.